The following is an entry in ClinVar:

ClinVar aggregate classification (germline): Pathogenic (1 of 4 stars; one submission).

Conditions:
Hawkinsinuria. Identifiers: Orphanet 2118, MedGen C2931042, MONDO:0007700, OMIM 140350, HP:0034457.
Tyrosinemia type III. Also called: Tyrosinemia type 3; 4-alpha hydroxyphenylpyruvic acid oxidase deficiency; 4-alpha hydroxyphenylpyruvate dioxygenase deficiency; 4-Hydroxyphenylpyruvate dioxygenase deficiency; 4-HYDROXYPHENYLPYRUVIC ACID OXIDASE DEFICIENCY. Identifiers: Orphanet 69723, MedGen C0268623, MONDO:0010162, OMIM 276710.

Submission:

Labcorp Genetics (formerly Invitae), Labcorp
Classification: Pathogenic for Tyrosinemia type III; Hawkinsinuria. Last evaluated: 2022-03-16. Review status: criteria provided, single submitter. Criteria: Invitae Variant Classification Sherloc (09022015). Collection method: clinical testing. Allele origin: germline.
Comment: For these reasons, this variant has been classified as Pathogenic. This variant has not been reported in the literature in individuals affected with HPD-related conditions. This variant is not present in population databases (gnomAD no frequency). This sequence change creates a premature translational stop signal (p.Ile62Asnfs*30) in the HPD gene. It is expected to result in an absent or disrupted protein product. Loss-of-function variants in HPD are known to be pathogenic (PMID: 10942115, 23036342).

Literature cited by the submitters: PubMed 10942115; PubMed 23036342.

NM_002150.3(HPD):c.184dup (p.Ile62fs)

Genes: HPD (4-hydroxyphenylpyruvate dioxygenase; minus strand), TIALD (transcript inducer of AURKA lysosomal degradation; plus strand). Cytogenetic location: 12q24.31.
Variant type: Duplication.
Coding change: c.184dup on transcript NM_002150.3 (MANE Select); coding-DNA position 184, one base duplicated (A; older notation c.184dupA).
Protein change: p.Ile62fs; shifts the reading frame from isoleucine 62.
Molecular consequence: frameshift variant.
Genome position (GRCh38, 1-based): chr12:121,857,342, T duplicated on the plus strand (A on the coding strand, the reverse complement: HPD is on the minus strand); the first of 2 consecutive T bases (chr12:121,857,342-121,857,343); duplicating either gives the same sequence. VCF-style (leftmost placement, unchanged base first): chr12-121857341-A-AT. GRCh37 (hg19) VCF-style: chr12-122295247-A-AT.
Other names: c.67dup, p.Ile23fs (NM_001171993.2); short protein forms I62fs, I23fs.
Identifiers: ClinVar variation 2110723 (VCV002110723.4), dbSNP rs2500327296, ClinGen allele CA2580085910.